The following is an entry in ClinVar:

ClinVar aggregate classification (germline): Uncertain significance (1 of 4 stars; one submission).

Conditions:
Autosomal dominant limb-girdle muscular dystrophy type 1D (DNAJB6) (LGMDD1). Also called: MUSCULAR DYSTROPHY, LIMB-GIRDLE, TYPE 1D; Autosomal dominant limb-girdle muscular dystrophy type 1D; Muscular dystrophy, limb-girdle, autosomal dominant 1; MUSCULAR DYSTROPHY, AUTOSOMAL DOMINANT, WITH RIMMED VACUOLES. Identifiers: Orphanet 34516, MedGen C4721885, MONDO:0021018, OMIM 603511.

Submission:

Labcorp Genetics (formerly Invitae), Labcorp
Classification: Uncertain significance for Autosomal dominant limb-girdle muscular dystrophy type 1D (DNAJB6). Last evaluated: 2023-10-03. Review status: criteria provided, single submitter. Criteria: Invitae Variant Classification Sherloc (09022015). Collection method: clinical testing. Allele origin: germline.
Comment: This sequence change replaces glycine, which is neutral and non-polar, with glutamic acid, which is acidic and polar, at codon 78 of the DNAJB6 protein (p.Gly78Glu). This variant is not present in population databases (gnomAD no frequency). This variant has not been reported in the literature in individuals affected with DNAJB6-related conditions. ClinVar contains an entry for this variant (Variation ID: 2110924). An algorithm developed to predict the effect of missense changes on protein structure and function (PolyPhen-2) suggests that this variant is likely to be tolerated. In summary, the available evidence is currently insufficient to determine the role of this variant in disease. Therefore, it has been classified as a Variant of Uncertain Significance.

NM_058246.4(DNAJB6):c.233G>A (p.Gly78Glu)

Gene: DNAJB6 (DnaJ heat shock protein family (Hsp40) member B6; plus strand). Cytogenetic location: 7q36.3.
Variant type: single nucleotide variant.
Coding change: c.233G>A on transcript NM_058246.4 (MANE Select); coding-DNA position 233, G replaced by A.
Protein change: p.Gly78Glu; replaces glycine 78 with glutamic acid.
Molecular consequence: missense variant.
Genome position (GRCh38, 1-based): chr7:157,366,559, G>A. VCF-style: chr7-157366559-G-A. GRCh37 (hg19) VCF-style: chr7-157159253-G-A.
Other names: c.233G>A, p.Gly78Glu (NM_001363676.1, NM_005494.3); short protein forms G78E.
Identifiers: ClinVar variation 2110924 (VCV002110924.4), dbSNP rs2536004643, ClinGen allele CA370166004.